The following is an entry in ClinVar:

NM_001044385.3(TMEM237):c.137-3T>C

Gene: TMEM237 (transmembrane protein 237; minus strand). Cytogenetic location: 2q33.1.
Variant type: single nucleotide variant.
Coding change: c.137-3T>C on transcript NM_001044385.3 (MANE Select); 3 bases into the intron before coding-DNA position 137, T replaced by C.
Molecular consequence: intron variant.
Genome position (GRCh38, 1-based): chr2:201,636,888, A>G on the plus strand (T>C on the coding strand, the complement: TMEM237 is on the minus strand). VCF-style: chr2-201636888-A-G. GRCh37 (hg19) VCF-style: chr2-202501611-A-G.
Other names: c.113-3T>C (NM_152388.4).
Identifiers: ClinVar variation 854245 (VCV000854245.8), dbSNP rs540193518, ClinGen allele CA2056558.

ClinVar aggregate classification (germline): Conflicting classifications of pathogenicity. Review status: criteria provided, conflicting classifications (1 of 4 stars). 2 submissions from 2 submitters: Uncertain significance (1); Likely benign (1). Last evaluated 2024-03-11.

Conditions:
Joubert syndrome 14 (JBTS14). Identifiers: MedGen C3280766, MONDO:0013745, OMIM 614424.

Allele frequency attached by ClinVar (database versions not stated): ExAC 0.00001; gnomAD exomes 0.00001; TOPMed 0.00001; gnomAD 0.00002; 1000 Genomes Project 0.00020.
gnomAD v4.1: 12 of 1,595,546 alleles (0.00075%); highest among the groups gnomAD compares: African/African-American, 0.0067%; no homozygotes.

Submissions (2):

Blueprint Genetics
Classification: Likely benign. Last evaluated: 2024-03-11. Review status: criteria provided, single submitter. Criteria: ACMG Guidelines, 2015. Collection method: clinical testing. Allele origin: germline.

Labcorp Genetics (formerly Invitae), Labcorp
Classification: Uncertain significance for Joubert syndrome 14. Last evaluated: 2023-08-28. Review status: criteria provided, single submitter. Criteria: Invitae Variant Classification Sherloc (09022015). Collection method: clinical testing. Allele origin: germline.
Comment: This variant has not been reported in the literature in individuals affected with TMEM237-related conditions. In summary, the available evidence is currently insufficient to determine the role of this variant in disease. Therefore, it has been classified as a Variant of Uncertain Significance. Variants that disrupt the consensus splice site are a relatively common cause of aberrant splicing (PMID: 17576681, 9536098). Algorithms developed to predict the effect of sequence changes on RNA splicing suggest that this variant is not likely to affect RNA splicing. ClinVar contains an entry for this variant (Variation ID: 854245). The frequency data for this variant in the population databases is considered unreliable, as metrics indicate poor data quality at this position in the gnomAD database. This sequence change falls in intron 4 of the TMEM237 gene. It does not directly change the encoded amino acid sequence of the TMEM237 protein. It affects a nucleotide within the consensus splice site.

Literature cited by the submitters: PubMed 17576681 (cited by Labcorp Genetics (formerly Invitae), Labcorp); PubMed 9536098 (cited by Labcorp Genetics (formerly Invitae), Labcorp).